The following is an entry in ClinVar:

NM_013275.6(ANKRD11):c.7639A>G (p.Asn2547Asp)

Gene: ANKRD11 (ankyrin repeat domain containing 11; minus strand). Cytogenetic location: 16q24.3.
Variant type: single nucleotide variant.
Coding change: c.7639A>G on transcript NM_013275.6 (MANE Select); coding-DNA position 7639, A replaced by G.
Protein change: p.Asn2547Asp; replaces asparagine 2547 with aspartic acid.
Molecular consequence: missense variant.
Genome position (GRCh38, 1-based): chr16:89,274,888, T>C on the plus strand (A>G on the coding strand, the complement: ANKRD11 is on the minus strand). VCF-style: chr16-89274888-T-C. GRCh37 (hg19) VCF-style: chr16-89341296-T-C.
Other names: c.7639A>G, p.Asn2547Asp (NM_001256182.2, NM_001256183.2); short protein forms N2547D.
Identifiers: ClinVar variation 4072790 (VCV004072790.1).
Genomic context (GRCh38, chr16:89,274,888, plus strand): 5'-GCATGTTGTAGACCTCGGAGTCCAGCAGCATCGTGCAGGCGCTGAATGGCACTGCCTGGT[T>C]GGCGATGGTCCTGGCCGCCCGGCAGTGAACCCGCAGAATCTCCTGCTCACAGGATACGAT-3'
Protein context (NP_037407.4, residues 2537-2557): VHCRAARTIA[Asn2547Asp]QAVPFSACTM

ClinVar aggregate classification (germline): Uncertain significance (1 of 4 stars; one submission).

Submission:

GeneDx
Classification: Uncertain significance. Last evaluated: 2025-01-31. Review status: criteria provided, single submitter. Criteria: GeneDx Variant Classification Process June 2021. Collection method: clinical testing. Allele origin: germline. Affected: yes.
Comment: Not observed at significant frequency in large population cohorts (gnomAD); In silico analysis supports that this missense variant has a deleterious effect on protein structure/function; Has not been previously published as pathogenic or benign to our knowledge